The following is an entry in ClinVar:

ClinVar aggregate classification (germline): Pathogenic (1 of 4 stars; one submission).

Conditions:
Peroxisome biogenesis disorder, complementation group K (CGK). Identifiers: MedGen C1866257, MONDO:0800365.

Submission:

Labcorp Genetics (formerly Invitae), Labcorp
Classification: Pathogenic for Peroxisome biogenesis disorder, complementation group K. Last evaluated: 2023-12-14. Review status: criteria provided, single submitter. Criteria: Invitae Variant Classification Sherloc (09022015). Collection method: clinical testing. Allele origin: unknown.
Comment: This variant is a gross deletion of the genomic region encompassing exon(s) 3 of the PEX14 gene. This deletion is out-of-frame, and is expected to create a premature termination codon and result in an absent or disrupted protein product. Loss-of-function variants in PEX14 are known to be pathogenic (PMID: 15146459, 18285423, 26627464). A similar copy number variant has been observed in individual(s) with Zellweger syndrome (PMID: 18285423). For these reasons, this variant has been classified as Pathogenic.

Literature cited by the submitters: PubMed 15146459; PubMed 18285423; PubMed 26627464.

NC_000001.10:g.(?_10596250)_(10596374_?)del

Gene: PEX14 (peroxisomal biogenesis factor 14; plus strand). Cytogenetic location: 1p36.22.
Variant type: Deletion.
Identifiers: ClinVar variation 3247784 (VCV003247784.1).